The following is an entry in ClinVar:

ClinVar aggregate classification (germline): Uncertain significance. Review status: criteria provided, multiple submitters, no conflicts (2 of 4 stars). 2 submissions from 2 submitters: Uncertain significance (2). Last evaluated 2025-11-26.

gnomAD v4.1: 12 of 1,614,228 alleles (0.00074%); highest among the groups gnomAD compares: South Asian, 0.0022%; no homozygotes.

Submissions (2):

Ambry Genetics
Classification: Uncertain significance. Last evaluated: 2025-11-26. Review status: criteria provided, single submitter. Criteria: Ambry Variant Classification Scheme 2023. Collection method: clinical testing. Allele origin: germline.

Dasa
Classification: Uncertain significance. Last evaluated: 2025-03-09. Review status: criteria provided, single submitter. Criteria: DASA Assertion Criteria. Collection method: clinical testing. Allele origin: germline.
Comment: NM_015202.5(KIAA0556):c.3385G>A (p.Asp1129Asn) is a missense variant that results in the substitution of aspartic acid with asparagine. This variant is rare in population databases. Computational prediction algorithms are consistent with a benign effect. The currently available literature and clinical evidence are not sufficient to establish a definitive association between this variant and the reported condition. Therefore, this variant is classified as a variant of uncertain significance.

NM_015202.5(KATNIP):c.3385G>A (p.Asp1129Asn)

Gene: KATNIP (katanin interacting protein; plus strand). Cytogenetic location: 16p12.1.
Variant type: single nucleotide variant.
Coding change: c.3385G>A on transcript NM_015202.5 (MANE Select); coding-DNA position 3385, G replaced by A.
Protein change: p.Asp1129Asn; replaces aspartic acid 1129 with asparagine.
Molecular consequence: missense variant.
Genome position (GRCh38, 1-based): chr16:27,751,757, G>A. VCF-style: chr16-27751757-G-A. GRCh37 (hg19) VCF-style: chr16-27763078-G-A.
Other names: short protein forms D1129N.
Identifiers: ClinVar variation 4680723 (VCV004680723.3).